The following is an entry in ClinVar:

ClinVar aggregate classification (germline): Benign/Likely benign. Review status: criteria provided, multiple submitters, no conflicts (2 of 4 stars). 5 submissions from 5 submitters: Benign (3); Likely benign (2). Last evaluated 2026-01-11.

Conditions:
Inborn genetic diseases. Identifiers: MedGen C0950123, MeSH D030342.
Developmental and epileptic encephalopathy, 30 (DEE30). Also called: Epileptic encephalopathy, early infantile, 30. Identifiers: MedGen C4225360, MONDO:0014595, OMIM 616341.

Allele frequency attached by ClinVar (database versions not stated): 1000 Genomes Project 0.00040; TOPMed 0.00169; ESP Exome Variant Server 0.00262; gnomAD 0.01018.

Submissions (5):

Labcorp Genetics (formerly Invitae), Labcorp
Classification: Benign for Developmental and epileptic encephalopathy, 30. Last evaluated: 2026-01-11. Review status: criteria provided, single submitter. Criteria: Invitae Variant Classification Sherloc (09022015). Collection method: clinical testing. Allele origin: germline.

Blueprint Genetics
Classification: Likely benign. Last evaluated: 2024-11-28. Review status: criteria provided, single submitter. Criteria: ACMG Guidelines, 2015. Collection method: clinical testing. Allele origin: germline.

CeGaT Center for Human Genetics Tuebingen
Classification: Likely benign. Last evaluated: 2024-05-01. Review status: criteria provided, single submitter. Criteria: CeGaT Center For Human Genetics Tuebingen Variant Classification Criteria Version 2. Collection method: clinical testing. Allele origin: germline. Affected: yes. Observed: 5 variant alleles.
Comment: SIK1: BP4, BS2

Mayo Clinic Laboratories, Mayo Clinic
Classification: Benign. Last evaluated: 2020-05-01. Review status: criteria provided, single submitter. Criteria: ACMG Guidelines, 2015. Collection method: clinical testing. Allele origin: germline. Observed: 4 variant alleles.

Ambry Genetics
Classification: Benign for Inborn genetic diseases. Last evaluated: 2017-04-26. Review status: criteria provided, single submitter. Criteria: Ambry Variant Classification Scheme 2023. Collection method: clinical testing. Allele origin: germline.

NM_173354.5(SIK1):c.1072C>G (p.Pro358Ala)

Gene: SIK1 (salt inducible kinase 1; minus strand). Cytogenetic location: 21q22.3.
Variant type: single nucleotide variant.
Coding change: c.1072C>G on transcript NM_173354.5 (MANE Select); coding-DNA position 1072, C replaced by G.
Protein change: p.Pro358Ala; replaces proline 358 with alanine.
Molecular consequence: missense variant.
Genome position (GRCh38, 1-based): chr21:43,419,906, G>C on the plus strand (C>G on the coding strand, the complement: SIK1 is on the minus strand). VCF-style: chr21-43419906-G-C. GRCh37 (hg19) VCF-style: chr21-44839786-G-C.
Other names: p.Pro358Ala; short protein forms P358A.
Identifiers: ClinVar variation 476075 (VCV000476075.41), dbSNP rs145582574, ClinGen allele CA321326489.
Genomic context (GRCh38, chr21:43,419,906, plus strand): 5'-TCCTCCCCCTCACCTCCAAACCACTGAGGTCCGAGCTCCGAGGCCGCGGCTGCCTGGCAG[G>C]CCCGGGGCGGGCGCACTGGGCATTCCGATACTCCTTGAGCCGCTCAAGGAGGAGGTAATA-3'
Protein context (NP_775490.2, residues 348-368): YRNAQCARPG[Pro358Ala]ARQPRPRSSD